The following is an entry in ClinVar:

NM_015512.5(DNAH1):c.7745C>T (p.Ala2582Val)

Gene: DNAH1 (dynein axonemal heavy chain 1; plus strand). Cytogenetic location: 3p21.1.
Variant type: single nucleotide variant.
Coding change: c.7745C>T on transcript NM_015512.5 (MANE Select); coding-DNA position 7745, C replaced by T.
Protein change: p.Ala2582Val; replaces alanine 2582 with valine.
Molecular consequence: missense variant.
Genome position (GRCh38, 1-based): chr3:52,381,776, C>T. VCF-style: chr3-52381776-C-T. GRCh37 (hg19) VCF-style: chr3-52415792-C-T.
Other names: short protein forms A2582V.
Identifiers: ClinVar variation 2934003 (VCV002934003.3), dbSNP rs2471259713, ClinGen allele CA353180386.

ClinVar aggregate classification (germline): Uncertain significance (1 of 4 stars; one submission).

Conditions:
Ciliary dyskinesia, primary, 37 (CILD37). Also called: CILIARY DYSKINESIA, PRIMARY, 37, WITH OR WITHOUT SITUS INVERSUS. Identifiers: MedGen C4539798, MONDO:0033204, OMIM 617577.
Spermatogenic failure 18. Identifiers: MedGen C4539783, MONDO:0054615, OMIM 617576.

Submission:

Labcorp Genetics (formerly Invitae), Labcorp
Classification: Uncertain significance for Ciliary dyskinesia, primary, 37; Spermatogenic failure 18. Last evaluated: 2025-05-05. Review status: criteria provided, single submitter. Criteria: Invitae Variant Classification Sherloc (09022015). Collection method: clinical testing. Allele origin: germline.
Comment: This sequence change replaces alanine, which is neutral and non-polar, with valine, which is neutral and non-polar, at codon 2582 of the DNAH1 protein (p.Ala2582Val). This variant is not present in population databases (gnomAD no frequency). This variant has not been reported in the literature in individuals affected with DNAH1-related conditions. ClinVar contains an entry for this variant (Variation ID: 2934003). Invitae Evidence Modeling of protein sequence and biophysical properties (such as structural, functional, and spatial information, amino acid conservation, physicochemical variation, residue mobility, and thermodynamic stability) indicates that this missense variant is not expected to disrupt DNAH1 protein function with a negative predictive value of 80%. In summary, the available evidence is currently insufficient to determine the role of this variant in disease. Therefore, it has been classified as a Variant of Uncertain Significance.